The following is an entry in ClinVar:

NC_000016.10:g.67660407C>A

Genes: ACD (ACD shelterin complex subunit and telomerase recruitment factor; minus strand), LOC130059224 (ATAC-STARR-seq lymphoblastoid silent region 7617; plus strand). Cytogenetic location: 16q22.1.
Variant type: single nucleotide variant.
Genome position: GRCh38 VCF-style: chr16-67660407-C-A. GRCh37 (hg19) VCF-style: chr16-67694310-C-A.
Other names: short protein forms W24C.
Identifiers: ClinVar variation 2265009 (VCV002265009.4), dbSNP rs745972649, ClinGen allele CA396359947.
Genomic context (GRCh38, chr16:67,660,407, plus strand): 5'-ACCCCGCGCCTGCGCACGAGGGCGTCCTGCTCGGGGGCCTGTGTGCAGACTCCCGCTGGT[C>A]CACCCCGCTGGTGCACGGGATGCTGGCCCGTTTACTCTCATCGCGGCGTCACTCTGACAG-3'

ClinVar aggregate classification (germline): Uncertain significance. Review status: criteria provided, multiple submitters, no conflicts (2 of 4 stars). 2 submissions from 2 submitters: Uncertain significance (2). Last evaluated 2024-07-17.

Conditions:
Inborn genetic diseases. Identifiers: MedGen C0950123, MeSH D030342.
Dyskeratosis congenita, autosomal dominant 6 (DKCA6). Identifiers: Orphanet 3322, MedGen C4225284, MONDO:0014690, OMIM 616553.

Submissions (2):

Labcorp Genetics (formerly Invitae), Labcorp
Classification: Uncertain significance for Dyskeratosis congenita, autosomal dominant 6. Last evaluated: 2024-07-17. Review status: criteria provided, single submitter. Criteria: Invitae Variant Classification Sherloc (09022015). Collection method: clinical testing. Allele origin: germline.
Comment: This sequence change replaces tryptophan, which is neutral and slightly polar, with cysteine, which is neutral and slightly polar, at codon 24 of the ACD protein (p.Trp24Cys). This variant is not present in population databases (gnomAD no frequency). This variant has not been reported in the literature in individuals affected with ACD-related conditions. ClinVar contains an entry for this variant (Variation ID: 2265009). Experimental studies and prediction algorithms are not available or were not evaluated, and the functional significance of this variant is currently unknown. In summary, the available evidence is currently insufficient to determine the role of this variant in disease. Therefore, it has been classified as a Variant of Uncertain Significance.

Ambry Genetics
Classification: Uncertain significance for Inborn genetic diseases. Last evaluated: 2021-12-06. Review status: criteria provided, single submitter. Criteria: Ambry Variant Classification Scheme 2023. Collection method: clinical testing. Allele origin: germline.